The following is an entry in ClinVar:

ClinVar aggregate classification (germline): Conflicting classifications of pathogenicity. Review status: criteria provided, conflicting classifications (1 of 4 stars). 2 submissions from 2 submitters: Uncertain significance (1); Likely benign (1). Last evaluated 2025-12-29.

Conditions:
Dilated cardiomyopathy 1G (CMD1G). Identifiers: Orphanet 154, MedGen C1858763, MONDO:0011400, OMIM 604145.
Autosomal recessive limb-girdle muscular dystrophy type 2J (LGMDR10). Also called: Limb-girdle muscular dystrophy, type 2J; MUSCULAR DYSTROPHY, LIMB-GIRDLE, AUTOSOMAL RECESSIVE 10. Identifiers: Orphanet 140922, MedGen C1837342, MONDO:0012127, OMIM 608807.

Allele frequency attached by ClinVar (database versions not stated): gnomAD 0.00003 and 0.00004; TOPMed 0.00004; ExAC 0.00007; gnomAD exomes 0.00007.
gnomAD v4.1: 28 of 1,613,666 alleles (0.0017%); highest among the groups gnomAD compares: East Asian, 0.031%; no homozygotes.

Submissions (2):

Labcorp Genetics (formerly Invitae), Labcorp
Classification: Likely benign for Dilated cardiomyopathy 1G; Autosomal recessive limb-girdle muscular dystrophy type 2J. Last evaluated: 2025-12-29. Review status: criteria provided, single submitter. Criteria: Invitae Variant Classification Sherloc (09022015). Collection method: clinical testing. Allele origin: germline.

Biesecker Lab/Clinical Genomics Section, National Institutes of Health
Classification: Uncertain significance. Last evaluated: 2013-06-24. Review status: criteria provided, single submitter. Criteria: Ng et al. (Circ Cardiovasc Genet. 2013). Collection method: research. Allele origin: unknown. Observed: 1 variant allele. Study: ClinSeq.
Comment: The study set was not selected for affection status in relation to any cancer. Pathogenicity categories were based on literature curation. See Pubmed ID:23861362 for details.

Medical sequencing

NM_001267550.2(TTN):c.6770C>G (p.Thr2257Ser)

Gene: TTN (titin; minus strand). Cytogenetic location: 2q31.2.
Variant type: single nucleotide variant.
Coding change: c.6770C>G on transcript NM_001267550.2 (MANE Select); coding-DNA position 6770, C replaced by G.
Protein change: p.Thr2257Ser; replaces threonine 2257 with serine.
Molecular consequence: missense variant.
Genome position (GRCh38, 1-based): chr2:178,774,941, G>C on the plus strand (C>G on the coding strand, the complement: TTN is on the minus strand). VCF-style: chr2-178774941-G-C. GRCh37 (hg19) VCF-style: chr2-179639668-G-C.
Other names: c.6770C>G, p.Thr2257Ser (NM_133378.4, NM_001256850.1, NM_133379.5); c.6632C>G, p.Thr2211Ser (NM_003319.4, NM_133432.3, NM_133437.4); short protein forms T2257S, T2211S.
Identifiers: ClinVar variation 192074 (VCV000192074.24), dbSNP rs755999681, ClinGen allele CA238254.
Genomic context (GRCh38, chr2:178,774,941, plus strand): 5'-AGAGCTTAGGTAAACAATGAAATCCTTCGTTGTTGAATACCTTCAACAATAAGTTTAGCA[G>C]TCGTTTTGACATTTTCATCTTCCACAAGTACACAGCTGTAATCTTCAGCATCAGACGTAT-3'
Protein context (NP_001254479.2, residues 2247-2267): VLVEDENVKT[Thr2257Ser]AKLIVEGAVV